The following is an entry in ClinVar:

ClinVar aggregate classification (germline): Uncertain significance (1 of 4 stars; one submission).

Conditions:
Hereditary pancreatitis (PCTT). Also called: Hereditary chronic pancreatitis; PRSS1-Related Hereditary Pancreatitis. Identifiers: Orphanet 676, MedGen C0238339, MONDO:0008185, OMIM 167800.

Allele frequency attached by ClinVar (database versions not stated): TOPMed below 0.00001; gnomAD 0.00001.

Submission:

Ambry Genetics
Classification: Uncertain significance for Hereditary pancreatitis. Last evaluated: 2024-02-22. Review status: criteria provided, single submitter. Criteria: Ambry Variant Classification Scheme 2023. Collection method: clinical testing. Allele origin: germline.
Comment: The p.L79P variant (also known as c.236T>C), located in coding exon 3 of the CPA1 gene, results from a T to C substitution at nucleotide position 236. The leucine at codon 79 is replaced by proline, an amino acid with similar properties. This amino acid position is conserved. In addition, this alteration is predicted to be deleterious by in silico analysis. Based on the available evidence, the clinical significance of this alteration remains unclear.

NM_001868.4(CPA1):c.236T>C (p.Leu79Pro)

Gene: CPA1 (carboxypeptidase A1; plus strand). Cytogenetic location: 7q32.2.
Variant type: single nucleotide variant.
Coding change: c.236T>C on transcript NM_001868.4 (MANE Select); coding-DNA position 236, T replaced by C.
Protein change: p.Leu79Pro; replaces leucine 79 with proline.
Molecular consequence: missense variant.
Genome position (GRCh38, 1-based): chr7:130,381,718, T>C. VCF-style: chr7-130381718-T-C. GRCh37 (hg19) VCF-style: chr7-130021559-T-C.
Other names: short protein forms L79P.
Identifiers: ClinVar variation 3221814 (VCV003221814.1), dbSNP rs1796407214, ClinGen allele CA369279940.